The following is an entry in ClinVar:

ClinVar aggregate classification (germline): Uncertain significance. Review status: criteria provided, multiple submitters, no conflicts (2 of 4 stars). 2 submissions from 2 submitters: Uncertain significance (2). Last evaluated 2022-08-16.

Conditions:
Glycogen storage disease, type II (IOPD). Also called: Glucosidase acid-1,4-alpha deficiency; Pompe Disease; GLYCOGENOSIS, GENERALIZED, CARDIAC FORM; GSD II; POMPE DISEASE, INFANTILE-ONSET; GLYCOGEN STORAGE DISEASE II, INFANTILE-ONSET. Identifiers: Orphanet 365, MedGen C0017921, MONDO:0009290, OMIM 232300.

Allele frequency attached by ClinVar (database versions not stated): gnomAD exomes 0.00001; ExAC 0.00005.
gnomAD v4.1: 13 of 1,572,756 alleles (0.00083%); highest among the groups gnomAD compares: Non-Finnish European, 0.00095%; no homozygotes.

Submissions (2):

Labcorp Genetics (formerly Invitae), Labcorp
Classification: Uncertain significance for Glycogen storage disease, type II. Last evaluated: 2022-08-16. Review status: criteria provided, single submitter. Criteria: Invitae Variant Classification Sherloc (09022015). Collection method: clinical testing. Allele origin: germline.
Comment: This sequence change falls in intron 8 of the GAA gene. It does not directly change the encoded amino acid sequence of the GAA protein. This variant is present in population databases (rs774138443, gnomAD 0.01%). This variant has not been reported in the literature in individuals affected with GAA-related conditions. ClinVar contains an entry for this variant (Variation ID: 1397247). Algorithms developed to predict the effect of sequence changes on RNA splicing suggest that this variant may disrupt the consensus splice site. In summary, the available evidence is currently insufficient to determine the role of this variant in disease. Therefore, it has been classified as a Variant of Uncertain Significance.

Fulgent Genetics
Classification: Uncertain significance for Glycogen storage disease, type II. Last evaluated: 2021-09-20. Review status: criteria provided, single submitter. Criteria: ACMG Guidelines, 2015. Collection method: clinical testing. Allele origin: unknown.

NM_000152.5(GAA):c.1326+20G>A

Gene: GAA (alpha glucosidase; plus strand). Cytogenetic location: 17q25.3.
Variant type: single nucleotide variant.
Coding change: c.1326+20G>A on transcript NM_000152.5 (MANE Select); 20 bases into the intron after coding-DNA position 1326, G replaced by A.
Molecular consequence: intron variant.
Genome position (GRCh38, 1-based): chr17:80,108,848, G>A. VCF-style: chr17-80108848-G-A. GRCh37 (hg19) VCF-style: chr17-78082647-G-A.
Other names: c.1326+20G>A (NM_001079803.3, NM_001079804.3).
Identifiers: ClinVar variation 1397247 (VCV001397247.4), dbSNP rs774138443, ClinGen allele CA8815268.